The following is an entry in ClinVar:

ClinVar aggregate classification (germline): Conflicting classifications of pathogenicity. Review status: criteria provided, conflicting classifications (1 of 4 stars). 2 submissions from 2 submitters: Uncertain significance (1); Likely benign (1). Last evaluated 2026-09-01.

Conditions:
Inborn genetic diseases. Identifiers: MedGen C0950123, MeSH D030342.

Allele frequency attached by ClinVar (database versions not stated): gnomAD exomes 0.00001; TOPMed below 0.00001.
gnomAD v4.1: 6 of 1,613,822 alleles (0.00037%); highest among the groups gnomAD compares: Admixed American, 0.0067%; no homozygotes.

Submissions (2):

CeGaT Center for Human Genetics Tuebingen
Classification: Likely benign. Last evaluated: 2026-09-01. Review status: criteria provided, single submitter. Criteria: CeGaT Center For Human Genetics Tuebingen Variant Classification Criteria Version 2. Collection method: clinical testing. Allele origin: germline. Affected: yes. Observed: 1 variant allele.
Comment: ZNF292: BP4

Ambry Genetics
Classification: Uncertain significance for Inborn genetic diseases. Last evaluated: 2021-10-06. Review status: criteria provided, single submitter. Criteria: Ambry Variant Classification Scheme 2023. Collection method: clinical testing. Allele origin: germline.

NM_015021.3(ZNF292):c.3424G>A (p.Ala1142Thr)

Gene: ZNF292 (zinc finger protein 292; plus strand). Cytogenetic location: 6q14.3.
Variant type: single nucleotide variant.
Coding change: c.3424G>A on transcript NM_015021.3 (MANE Select); coding-DNA position 3424, G replaced by A.
Protein change: p.Ala1142Thr; replaces alanine 1142 with threonine.
Molecular consequence: missense variant.
Genome position (GRCh38, 1-based): chr6:87,257,053, G>A. VCF-style: chr6-87257053-G-A. GRCh37 (hg19) VCF-style: chr6-87966771-G-A.
Other names: c.3004G>A, p.Ala1002Thr (NM_001351444.2); short protein forms A1142T, A1002T.
Identifiers: ClinVar variation 2390811 (VCV002390811.3), dbSNP rs1181212261, ClinGen allele CA364921987.